The following is an entry in ClinVar:

NM_198578.4(LRRK2):c.1974G>T (p.Leu658Phe)

Gene: LRRK2 (leucine rich repeat kinase 2; plus strand). Cytogenetic location: 12q12.
Variant type: single nucleotide variant.
Coding change: c.1974G>T on transcript NM_198578.4 (MANE Select); coding-DNA position 1974, G replaced by T.
Protein change: p.Leu658Phe; replaces leucine 658 with phenylalanine.
Molecular consequence: missense variant.
Genome position (GRCh38, 1-based): chr12:40,277,920, G>T. VCF-style: chr12-40277920-G-T. GRCh37 (hg19) VCF-style: chr12-40671722-G-T.
Other names: short protein forms L658F.
Identifiers: ClinVar variation 3540497 (VCV003540497.1).

ClinVar aggregate classification (germline): Uncertain significance (1 of 4 stars; one submission).

Conditions:
Inborn genetic diseases. Identifiers: MedGen C0950123, MeSH D030342.

gnomAD v4.1: 16 of 1,611,096 alleles (0.00099%); highest among the groups gnomAD compares: South Asian, 0.0022%; no homozygotes.

Submission:

Ambry Genetics
Classification: Uncertain significance for Inborn genetic diseases. Last evaluated: 2024-09-20. Review status: criteria provided, single submitter. Criteria: Ambry Variant Classification Scheme 2023. Collection method: clinical testing. Allele origin: germline.
Comment: The p.L658F variant (also known as c.1974G>T), located in coding exon 17 of the LRRK2 gene, results from a G to T substitution at nucleotide position 1974. The leucine at codon 658 is replaced by phenylalanine, an amino acid with highly similar properties. This amino acid position is conserved. In addition, this alteration is predicted to be tolerated by in silico analysis. Based on the available evidence, the clinical significance of this variant remains unclear.